The following is an entry in ClinVar:

NM_001142800.2(EYS):c.6696C>A (p.Asn2232Lys)

Gene: EYS (eyes shut homolog; minus strand). Cytogenetic location: 6q12.
Variant type: single nucleotide variant.
Coding change: c.6696C>A on transcript NM_001142800.2 (MANE Select); coding-DNA position 6696, C replaced by A.
Protein change: p.Asn2232Lys; replaces asparagine 2232 with lysine.
Molecular consequence: missense variant.
Genome position (GRCh38, 1-based): chr6:64,066,367, G>T on the plus strand (C>A on the coding strand, the complement: EYS is on the minus strand). VCF-style: chr6-64066367-G-T. GRCh37 (hg19) VCF-style: chr6-64776260-G-T.
Other names: c.6696C>A, p.Asn2232Lys (NM_001292009.2); short protein forms N2232K.
Identifiers: ClinVar variation 1027335 (VCV001027335.7), dbSNP rs946318214, ClinGen allele CA140276685.
Genomic context (GRCh38, chr6:64,066,367, plus strand): 5'-CGAAAGAACTACCGTGGAGTACAGTACTTACCGTATTGTGATAGGGGTGAATGCATTTGT[G>T]TTAATGCTGTAATTAGCAGAAACAGTCAAAATATTTTGAGAATTTCCACACCCATATTTA-3'
Protein context (NP_001136272.1, residues 2222-2242): ILTVSANYSI[Asn2232Lys]TNAFTPITIR

ClinVar aggregate classification (germline): Uncertain significance. Review status: criteria provided, single submitter (1 of 4 stars). 2 submissions from 2 submitters: Uncertain significance (1). 1 of the submissions does not count toward it. Last evaluated 2022-10-13.

Conditions:
Retinitis pigmentosa 25 (RP25). Identifiers: Orphanet 791, MedGen C1864446, MONDO:0011272, OMIM 602772.

Allele frequency attached by ClinVar (database versions not stated): TOPMed below 0.00001; gnomAD 0.00001.
gnomAD v4.1: 16 of 1,551,502 alleles (0.001%); highest among the groups gnomAD compares: Non-Finnish European, 0.0013%; no homozygotes.

Submissions (2):

Labcorp Genetics (formerly Invitae), Labcorp
Classification: Uncertain significance. Last evaluated: 2022-10-13. Review status: criteria provided, single submitter. Criteria: Invitae Variant Classification Sherloc (09022015). Collection method: clinical testing. Allele origin: germline.
Comment: This sequence change replaces asparagine, which is neutral and polar, with lysine, which is basic and polar, at codon 2232 of the EYS protein (p.Asn2232Lys). This variant is present in population databases (no rsID available, gnomAD 0.003%). This variant has not been reported in the literature in individuals affected with EYS-related conditions. ClinVar contains an entry for this variant (Variation ID: 1027335). Algorithms developed to predict the effect of missense changes on protein structure and function (SIFT, PolyPhen-2, Align-GVGD) all suggest that this variant is likely to be tolerated. In summary, the available evidence is currently insufficient to determine the role of this variant in disease. Therefore, it has been classified as a Variant of Uncertain Significance.

Natera, Inc.
Classification: Uncertain significance for Retinitis pigmentosa type 25. Last evaluated: 2021-01-21. Review status: no assertion criteria provided. Collection method: clinical testing. Allele origin: germline. Not counted in ClinVar's aggregate classification.